The following is an entry in ClinVar:

ClinVar aggregate classification (germline): Uncertain significance (1 of 4 stars; one submission).

Conditions:
Hereditary cancer-predisposing syndrome. Also called: Neoplastic Syndromes, Hereditary; Tumor predisposition; Hereditary Cancer Syndrome; Hereditary neoplastic syndrome. Identifiers: Orphanet 140162, MedGen C0027672, MeSH D009386, MONDO:0015356.

Submission:

Ambry Genetics
Classification: Uncertain significance for Hereditary cancer-predisposing syndrome. Last evaluated: 2026-04-29. Review status: criteria provided, single submitter. Criteria: Ambry Variant Classification Scheme 2023. Collection method: clinical testing. Allele origin: germline.
Comment: The p.R232S variant (also known as c.694C>A), located in coding exon 3 of the MEN1 gene, results from a C to A substitution at nucleotide position 694. The arginine at codon 232 is replaced by serine, an amino acid with dissimilar properties. This amino acid position is conserved. In addition, this alteration is predicted to be deleterious by in silico analysis. Based on the available evidence, the clinical significance of this variant remains unclear.

NM_001370259.2(MEN1):c.694C>A (p.Arg232Ser)

Gene: MEN1 (menin 1; minus strand). Cytogenetic location: 11q13.1.
Variant type: single nucleotide variant.
Coding change: c.694C>A on transcript NM_001370259.2 (MANE Select); coding-DNA position 694, C replaced by A.
Protein change: p.Arg232Ser; replaces arginine 232 with serine.
Molecular consequence: missense variant. On other transcripts: non-coding transcript variant (4).
Genome position (GRCh38, 1-based): chr11:64,807,641, G>T on the plus strand (C>A on the coding strand, the complement: MEN1 is on the minus strand). VCF-style: chr11-64807641-G-T. GRCh37 (hg19) VCF-style: chr11-64575113-G-T.
Other names: c.709C>A, p.Arg237Ser (NM_000244.4, NM_130800.3, NM_130801.3 and 5 more transcripts); c.694C>A, p.Arg232Ser (NM_001370251.2, NM_001370260.2, NM_001370261.2 and 7 more transcripts); c.589C>A, p.Arg197Ser (NM_001370262.2, NM_001370263.2, NM_001407148.1 and 2 more transcripts); short protein forms R237S, R232S, R197S.
Identifiers: ClinVar variation 3394935 (VCV003394935.2).